The following is an entry in ClinVar:

NM_001103.4(ACTN2):c.786C>T (p.Ala262=)

Gene: ACTN2 (actinin alpha 2; plus strand). Cytogenetic location: 1q43.
Variant type: single nucleotide variant.
Coding change: c.786C>T on transcript NM_001103.4 (MANE Select); coding-DNA position 786, C replaced by T.
Protein change: p.Ala262=; no amino-acid change (alanine 262 retained).
Molecular consequence: synonymous variant.
Genome position (GRCh38, 1-based): chr1:236,737,124, C>T. VCF-style: chr1-236737124-C-T. GRCh37 (hg19) VCF-style: chr1-236900424-C-T.
Other names: c.786C>T, p.Ala262= (NM_001278343.2); c.162C>T, p.Ala54= (NM_001278344.2).
Identifiers: ClinVar variation 43947 (VCV000043947.19), dbSNP rs201636760, ClinGen allele CA133218.

ClinVar aggregate classification (germline): Conflicting classifications of pathogenicity. Review status: criteria provided, conflicting classifications (1 of 4 stars). 5 submissions from 5 submitters: Uncertain significance (1); Likely benign (4). Last evaluated 2025-11-17.

Conditions:
Cardiovascular phenotype. Identifiers: MedGen CN230736.
Dilated cardiomyopathy 1AA (CMD1AA). Also called: Cardiomyopathy, dilated, 1AA, with or without LVNC; CARDIOMYOPATHY, DILATED, 1AA, WITH OR WITHOUT LEFT VENTRICULAR NONCOMPACTION; CARDIOMYOPATHY, FAMILIAL HYPERTROPHIC, 23, WITH OR WITHOUT LEFT VENTRICULAR NONCOMPACTION. Identifiers: Orphanet 154, MedGen C2677338, MONDO:0012808, OMIM 612158.
Primary familial hypertrophic cardiomyopathy (HCM). Identifiers: Orphanet 99739, MedGen C0949658, MeSH D024741, MONDO:0024573. Inheritance: Various modes of inheritance.

Allele frequency attached by ClinVar (database versions not stated): TOPMed 0.00010.

Submissions (5):

Labcorp Genetics (formerly Invitae), Labcorp
Classification: Likely benign for Primary familial hypertrophic cardiomyopathy; Dilated cardiomyopathy 1AA. Last evaluated: 2025-11-17. Review status: criteria provided, single submitter. Criteria: Invitae Variant Classification Sherloc (09022015). Collection method: clinical testing. Allele origin: germline.

Women's Health and Genetics/Laboratory Corporation of America, LabCorp
Classification: Uncertain significance. Last evaluated: 2024-12-20. Review status: criteria provided, single submitter. Criteria: LabCorp Variant Classification Summary - May 2015. Collection method: clinical testing. Allele origin: germline.

Blueprint Genetics
Classification: Likely benign. Last evaluated: 2024-09-17. Review status: criteria provided, single submitter. Criteria: ACMG Guidelines, 2015. Collection method: clinical testing. Allele origin: germline.

Ambry Genetics
Classification: Likely benign for Cardiovascular phenotype. Last evaluated: 2019-01-25. Review status: criteria provided, single submitter. Criteria: Ambry Variant Classification Scheme 2023. Collection method: clinical testing. Allele origin: germline.

Laboratory for Molecular Medicine, Mass General Brigham Personalized Medicine
Classification: Likely benign. Last evaluated: 2010-10-26. Review status: criteria provided, single submitter. Criteria: LMM Criteria. Collection method: clinical testing. Allele origin: germline. Observed: 1 variant allele.
Comment: Ala262Ala in exon 9 of ACTN2: This variant is not expected to have clinical sign ificance because it does not alter an amino acid residue and is not located near a splice junction.